The following is an entry in ClinVar:

NM_002693.3(POLG):c.2591A>G (p.Asn864Ser)

Gene: POLG (DNA polymerase gamma, catalytic subunit; minus strand). Cytogenetic location: 15q26.1.
Variant type: single nucleotide variant.
Coding change: c.2591A>G on transcript NM_002693.3 (MANE Select); coding-DNA position 2591, A replaced by G.
Protein change: p.Asn864Ser; replaces asparagine 864 with serine.
Molecular consequence: missense variant.
Genome position (GRCh38, 1-based): chr15:89,321,743, T>C on the plus strand (A>G on the coding strand, the complement: POLG is on the minus strand). VCF-style: chr15-89321743-T-C. GRCh37 (hg19) VCF-style: chr15-89864974-T-C.
Other names: c.2591A>G, p.Asn864Ser (NM_001126131.2); short protein forms N864S.
Identifiers: ClinVar variation 13506 (VCV000013506.8), dbSNP rs121918050, ClinGen allele CA123148.

ClinVar aggregate classification (germline): Pathogenic. Review status: criteria provided, multiple submitters, no conflicts (2 of 4 stars). 4 submissions from 4 submitters: Pathogenic (3). 1 of the submissions does not count toward it. Last evaluated 2024-04-18.

Conditions:
Mitochondrial DNA depletion syndrome. Also called: mitochondrial DNA depletion. Identifiers: Orphanet 35698, MedGen C0342782, MONDO:0018158.
Mitochondrial DNA depletion syndrome 4b. Also called: MNGIE, POLG-RELATED; Mitochondrial Neurogastrointestinal Encephalopathy Disease, POLG-Related. Identifiers: Orphanet 298, MedGen C3150914, MONDO:0013350, OMIM 613662.
Progressive external ophthalmoplegia with mitochondrial DNA deletions, autosomal dominant 1 (PEOA1). Also called: PROGRESSIVE EXTERNAL OPHTHALMOPLEGIA, AUTOSOMAL DOMINANT 1; Autosomal Dominant Progressive External Ophthalmoplegia (adPEO). Identifiers: MedGen C1834846, MONDO:0024528, OMIM 157640.
Progressive external ophthalmoplegia with mitochondrial DNA deletions, autosomal recessive 1 (PEOB1). Also called: Progressive external ophthalmoplegia, autosomal recessive 1; Autosomal Recessive Progressive External Ophthalmoplegia (arPEO). Identifiers: Orphanet 254886, MedGen C4225153, MONDO:0009783, OMIM 258450.
Sensory ataxic neuropathy, dysarthria, and ophthalmoparesis (SANDO). Also called: Epilepsy, progressive myoclonic, type 5; Sensory ataxic neuropathy-dysarthria-ophthalmoparesis syndrome; SENSORY ATAXIC NEUROPATHY WITH MITOCHONDRIAL DNA DELETIONS, AUTOSOMAL RECESSIVE; Ataxia Neuropathy Spectrum (ANS). Identifiers: Orphanet 70595, MedGen C1843851, MONDO:0011835, OMIM 607459.
Progressive sclerosing poliodystrophy (MTDPS4A). Also called: Alpers Syndrome; ALPERS DIFFUSE DEGENERATION OF CEREBRAL GRAY MATTER WITH HEPATIC CIRRHOSIS; ALPERS PROGRESSIVE INFANTILE POLIODYSTROPHY; Mitochondrial DNA Depletion Syndrome 4A; NEURONAL DEGENERATION OF CHILDHOOD WITH LIVER DISEASE, PROGRESSIVE; Alpers-Huttenlocher Syndrome. Identifiers: Orphanet 726, MedGen C0205710, MONDO:0008758, OMIM 203700.

Allele frequency attached by ClinVar (database versions not stated): gnomAD exomes below 0.00001; TOPMed below 0.00001; gnomAD 0.00001.
gnomAD v4.1: 3 of 1,611,710 alleles (0.00019%); highest among the groups gnomAD compares: African/African-American, 0.0013%; no homozygotes.

Submissions (4):

Fulgent Genetics
Classification: Pathogenic for Progressive external ophthalmoplegia with mitochondrial DNA deletions, autosomal dominant 1; Progressive sclerosing poliodystrophy; Progressive external ophthalmoplegia with mitochondrial DNA deletions, autosomal recessive 1; Sensory ataxic neuropathy, dysarthria, and ophthalmoparesis; Mitochondrial DNA depletion syndrome 4b. Last evaluated: 2024-04-18. Review status: criteria provided, single submitter. Criteria: ACMG Guidelines, 2015. Collection method: clinical testing. Allele origin: germline.

Women's Health and Genetics/Laboratory Corporation of America, LabCorp
Classification: Pathogenic for Mitochondrial DNA depletion syndrome. Last evaluated: 2024-04-13. Review status: criteria provided, single submitter. Criteria: LabCorp Variant Classification Summary - May 2015. Collection method: clinical testing. Allele origin: germline.
Comment: Variant summary: POLG c.2591A>G (p.Asn864Ser) results in a conservative amino acid change located in the DNA polymerase gamma, palm domain (IPR047580) of the encoded protein sequence. Four of five in-silico tools predict a damaging effect of the variant on protein function. The variant allele was found at a frequency of 4e-06 in 251360 control chromosomes. c.2591A>G has been reported in the literature as a biallelic genotype in individuals affected with features of AR-Mitochondrial DNA Depletion Syndrome - POLG Related (example, Van Goethem_2003, Lund_2015, Jou_2019, Bychkov_2021). These data indicate that the variant is likely to be associated with disease. At least one publication reports experimental evidence evaluating an impact on protein function using the Saccharomyces Cerevisiae ortholog of human POLG (Stumpf_2010). The most pronounced variant effect results in significant decreases or total depletion of mtDNA, suggesting that mtDNA loss is characteristic of POLG-related disease. ClinVar contains an entry for this variant (Variation ID: 13506). Based on the evidence outlined above, the variant was classified as pathogenic.

Labcorp Genetics (formerly Invitae), Labcorp
Classification: Pathogenic for Progressive sclerosing poliodystrophy. Last evaluated: 2023-07-17. Review status: criteria provided, single submitter. Criteria: Invitae Variant Classification Sherloc (09022015). Collection method: clinical testing. Allele origin: germline.
Comment: This variant is present in population databases (rs121918050, gnomAD 0.007%). For these reasons, this variant has been classified as Pathogenic. Experimental studies have shown that this missense change affects POLG function (PMID: 20185557). Advanced modeling of protein sequence and biophysical properties (such as structural, functional, and spatial information, amino acid conservation, physicochemical variation, residue mobility, and thermodynamic stability) performed at Invitae indicates that this missense variant is expected to disrupt POLG protein function. ClinVar contains an entry for this variant (Variation ID: 13506). This missense change has been observed in individual(s) with autosomal recessive POLG-related conditions (PMID: 12825077, 30634555, 32005694). In at least one individual the data is consistent with being in trans (on the opposite chromosome) from a pathogenic variant. It has also been observed to segregate with disease in related individuals. This sequence change replaces asparagine, which is neutral and polar, with serine, which is neutral and polar, at codon 864 of the POLG protein (p.Asn864Ser).

OMIM
Classification: Pathogenic for MITOCHONDRIAL DNA DEPLETION SYNDROME 4B (MNGIE TYPE). Last evaluated: 2003-07-01. Review status: no assertion criteria provided. Collection method: literature only. Allele origin: germline. Not counted in ClinVar's aggregate classification.

Literature cited by the submitters: PubMed 20185557 (cited by Women's Health and Genetics/Laboratory Corporation of America, LabCorp and Labcorp Genetics (formerly Invitae), Labcorp); PubMed 33486010 (cited by Women's Health and Genetics/Laboratory Corporation of America, LabCorp); PubMed 30634555 (cited by Women's Health and Genetics/Laboratory Corporation of America, LabCorp and Labcorp Genetics (formerly Invitae), Labcorp); PubMed 25742477 (cited by Women's Health and Genetics/Laboratory Corporation of America, LabCorp); PubMed 12825077 (cited by 3 submitters); PubMed 32005694 (cited by Labcorp Genetics (formerly Invitae), Labcorp).